The following is an entry in ClinVar:

ClinVar aggregate classification (germline): Uncertain significance (1 of 4 stars; one submission).

gnomAD v4.1: 1 of 1,585,610 alleles (0.000063%); highest among the groups gnomAD compares: Non-Finnish European, 0.000087%; no homozygotes.

Submissions (3):

Labcorp Genetics (formerly Invitae), Labcorp
Classification: Uncertain significance. Last evaluated: 2020-10-12. Review status: criteria provided, single submitter. Criteria: Invitae Variant Classification Sherloc (09022015). Collection method: clinical testing. Allele origin: germline.
Comment: Algorithms developed to predict the effect of missense changes on protein structure and function are either unavailable or do not agree on the potential impact of this missense change (SIFT: "Deleterious"; PolyPhen-2: "Probably Damaging"; Align-GVGD: "Class C15"). This variant has not been reported in the literature in individuals with GTF2E2-related conditions. This variant is not present in population databases (ExAC no frequency). This sequence change replaces lysine with methionine at codon 183 of the GTF2E2 protein (p.Lys183Met). The lysine residue is highly conserved and there is a moderate physicochemical difference between lysine and methionine. Algorithms developed to predict the effect of sequence changes on RNA splicing suggest that this variant may disrupt the consensus splice site, but this prediction has not been confirmed by published transcriptional studies. In summary, the available evidence is currently insufficient to determine the role of this variant in disease. Therefore, it has been classified as a Variant of Uncertain Significance.

Dr. Peter K. Rogan Lab, Western University
No classification provided (evidence only). Condition: Thyroid cancer, nonmedullary, 1. Review status: no classification provided. Collection method: in vitro. Allele origin: not applicable. Functional consequence: skipped exon. Not counted in ClinVar's aggregate classification.

Dr. Peter K. Rogan Lab, Western University
No classification provided (evidence only). Condition: Thyroid cancer, nonmedullary, 1. Review status: no classification provided. Collection method: in vitro. Allele origin: not applicable. Functional consequence: skipped exon. Not counted in ClinVar's aggregate classification.

NM_002095.6(GTF2E2):c.548A>T (p.Lys183Met)

Gene: GTF2E2 (general transcription factor IIE subunit 2; minus strand). Cytogenetic location: 8p12.
Variant type: single nucleotide variant.
Coding change: c.548A>T on transcript NM_002095.6 (MANE Select); coding-DNA position 548, A replaced by T.
Protein change: p.Lys183Met; replaces lysine 183 with methionine.
Molecular consequence: missense variant.
Genome position (GRCh38, 1-based): chr8:30,612,300, T>A on the plus strand (A>T on the coding strand, the complement: GTF2E2 is on the minus strand). VCF-style: chr8-30612300-T-A. GRCh37 (hg19) VCF-style: chr8-30469817-T-A.
Other names: c.548A>T, p.Lys183Met (NM_001348353.1); short protein forms K183M.
Identifiers: ClinVar variation 1042797 (VCV001042797.4), dbSNP rs2978277, ClinGen allele CA370878951.
Genomic context (GRCh38, chr8:30,612,300, plus strand): 5'-ACCAAGAAGTCATTATTCATTCAAATTATATTAAGACATAGAAAGAAAAGAGAGATTACC[T>A]TGACAGCTTTCTGGGAATTGGGCAGTGCTTCTTCTATGTCTTCTAAAAGAATTCCTCCTA-3'
Protein context (NP_002086.1, residues 173-193): EALPNSQKAV[Lys183Met]ALGDQILFVN